The following is an entry in ClinVar:

NM_005689.4(ABCB6):c.196G>A (p.Ala66Thr)

Gene: ABCB6 (ATP binding cassette subfamily B member 6 (LAN blood group); minus strand). Cytogenetic location: 2q35.
Variant type: single nucleotide variant.
Coding change: c.196G>A on transcript NM_005689.4 (MANE Select); coding-DNA position 196, G replaced by A.
Protein change: p.Ala66Thr; replaces alanine 66 with threonine.
Molecular consequence: missense variant.
Genome position (GRCh38, 1-based): chr2:219,218,478, C>T on the plus strand (G>A on the coding strand, the complement: ABCB6 is on the minus strand). VCF-style: chr2-219218478-C-T. GRCh37 (hg19) VCF-style: chr2-220083200-C-T.
Other names: c.196G>A, p.Ala66Thr (NM_001349828.2); c.196G>A (NM_005689.2); short protein forms A66T.
Identifiers: ClinVar variation 1418867 (VCV001418867.7), dbSNP rs773656026, ClinGen allele CA2119809.
Genomic context (GRCh38, chr2:219,218,478, plus strand): 5'-GCGCCGCCTGAAGTGTGGCCAGAAGCAGCTGCAGCACGTAGGGAGAGATGCGAGGGCCGG[C>T]CCCCCAAGACAGCGAATCAGCACCAGCGGGCCGCTCCCGGCGTCTGCAGGGAAGAGCCAG-3'
Protein context (NP_005680.1, residues 56-76): PAGADSLSWG[Ala66Thr]GPRISPYVLQ

ClinVar aggregate classification (germline): Uncertain significance. Review status: criteria provided, multiple submitters, no conflicts (2 of 4 stars). 2 submissions from 2 submitters: Uncertain significance (2). Last evaluated 2024-06-07.

Conditions:
Inborn genetic diseases. Identifiers: MedGen C0950123, MeSH D030342.

Allele frequency attached by ClinVar (database versions not stated): ExAC 0.00002; TOPMed 0.00002; gnomAD 0.00003; gnomAD exomes 0.00003.
gnomAD v4.1: 47 of 1,606,650 alleles (0.0029%); highest among the groups gnomAD compares: Non-Finnish European, 0.0036%; no homozygotes.

Submissions (2):

Ambry Genetics
Classification: Uncertain significance for Inborn genetic diseases. Last evaluated: 2024-06-07. Review status: criteria provided, single submitter. Criteria: Ambry Variant Classification Scheme 2023. Collection method: clinical testing. Allele origin: germline.

Labcorp Genetics (formerly Invitae), Labcorp
Classification: Uncertain significance. Last evaluated: 2021-08-04. Review status: criteria provided, single submitter. Criteria: Invitae Variant Classification Sherloc (09022015). Collection method: clinical testing. Allele origin: germline.
Comment: In summary, the available evidence is currently insufficient to determine the role of this variant in disease. Therefore, it has been classified as a Variant of Uncertain Significance. Algorithms developed to predict the effect of missense changes on protein structure and function output the following: SIFT: "Tolerated"; PolyPhen-2: "Benign"; Align-GVGD: "Class C0". The threonine amino acid residue is found in multiple mammalian species, which suggests that this missense change does not adversely affect protein function. This variant has not been reported in the literature in individuals affected with ABCB6-related conditions. The frequency data for this variant in the population databases is considered unreliable, as metrics indicate poor data quality at this position in the ExAC database. This sequence change replaces alanine with threonine at codon 66 of the ABCB6 protein (p.Ala66Thr). The alanine residue is moderately conserved and there is a small physicochemical difference between alanine and threonine.